The following is an entry in ClinVar:

ClinVar aggregate classification (germline): Uncertain significance. Review status: criteria provided, multiple submitters, no conflicts (2 of 4 stars). 3 submissions from 3 submitters: Uncertain significance (2). 1 of the submissions does not count toward it. Last evaluated 2022-10-25.

Conditions:
Alstrom syndrome (ALMS). Identifiers: Orphanet 64, MedGen C0268425, MONDO:0008763, OMIM 203800.

Allele frequency attached by ClinVar (database versions not stated): gnomAD 0.00001; gnomAD exomes 0.00003; TOPMed 0.00003; ExAC 0.00004.
gnomAD v4.1: 16 of 1,614,090 alleles (0.00099%); highest among the groups gnomAD compares: Admixed American, 0.0017%; no homozygotes.

Submissions (3):

Labcorp Genetics (formerly Invitae), Labcorp
Classification: Uncertain significance for Alstrom syndrome. Last evaluated: 2022-10-25. Review status: criteria provided, single submitter. Criteria: Invitae Variant Classification Sherloc (09022015). Collection method: clinical testing. Allele origin: germline.
Comment: This sequence change replaces aspartic acid, which is acidic and polar, with glutamic acid, which is acidic and polar, at codon 2678 of the ALMS1 protein (p.Asp2678Glu). This variant is present in population databases (rs754078506, gnomAD 0.005%). This variant has not been reported in the literature in individuals affected with ALMS1-related conditions. ClinVar contains an entry for this variant (Variation ID: 550406). Experimental studies and prediction algorithms are not available or were not evaluated, and the functional significance of this variant is currently unknown. In summary, the available evidence is currently insufficient to determine the role of this variant in disease. Therefore, it has been classified as a Variant of Uncertain Significance.

Fulgent Genetics
Classification: Uncertain significance for Alstrom syndrome. Last evaluated: 2021-11-30. Review status: criteria provided, single submitter. Criteria: ACMG Guidelines, 2015. Collection method: clinical testing. Allele origin: unknown.

Counsyl
Classification: Uncertain significance for Alstrom syndrome. Last evaluated: 2017-01-19. Review status: no assertion criteria provided. Collection method: clinical testing. Allele origin: unknown. Not counted in ClinVar's aggregate classification.

NM_001378454.1(ALMS1):c.8031C>A (p.Asp2677Glu)

Gene: ALMS1 (ALMS1 centrosome and basal body associated protein; plus strand). Cytogenetic location: 2p13.1.
Variant type: single nucleotide variant.
Coding change: c.8031C>A on transcript NM_001378454.1 (MANE Select); coding-DNA position 8031, C replaced by A.
Protein change: p.Asp2677Glu; replaces aspartic acid 2677 with glutamic acid.
Molecular consequence: missense variant.
Genome position (GRCh38, 1-based): chr2:73,489,990, C>A. VCF-style: chr2-73489990-C-A. GRCh37 (hg19) VCF-style: chr2-73717117-C-A.
Other names: c.8034C>A, p.Asp2678Glu (NM_015120.4); short protein forms D2678E, D2677E.
Identifiers: ClinVar variation 550406 (VCV000550406.6), dbSNP rs754078506, ClinGen allele CA1714393.
Genomic context (GRCh38, chr2:73,489,990, plus strand): 5'-TATACCTGATGAATTCAAAATCAGCAAAGGTCTTCGAATGCCATTCGATGAAAAGATGGA[C>A]CCTTGGCTGTCAGAATTAGTAGAACCTGCTTTTGTGCCACCTAAAGAAGTGGATTTTCAT-3'
Protein context (NP_001365383.1, residues 2667-2687): GLRMPFDEKM[Asp2677Glu]PWLSELVEPA